The following is an entry in ClinVar:

NM_024422.6(DSC2):c.2136dup (p.Thr713fs)

Gene: DSC2 (desmocollin 2; minus strand). Cytogenetic location: 18q12.1.
Variant type: Duplication.
Coding change: c.2136dup on transcript NM_024422.6 (MANE Select); coding-DNA position 2136, one base duplicated (T; older notation c.2136dupT).
Protein change: p.Thr713fs; shifts the reading frame from threonine 713.
Molecular consequence: frameshift variant.
Genome position (GRCh38, 1-based): chr18:31,070,840, A duplicated on the plus strand (T on the coding strand, the reverse complement: DSC2 is on the minus strand); the first of 3 consecutive A bases (chr18:31,070,840-31,070,842); duplicating any one gives the same sequence. VCF-style (leftmost placement, unchanged base first): chr18-31070839-T-TA. GRCh37 (hg19) VCF-style: chr18-28650805-T-TA.
Other names: c.2136dup, p.Thr713fs (NM_004949.5); short protein forms T713fs.
Identifiers: ClinVar variation 1381031 (VCV001381031.6), dbSNP rs2144788632, ClinGen allele CA2573155205.

ClinVar aggregate classification (germline): Pathogenic (1 of 4 stars; one submission).

Conditions:
Arrhythmogenic right ventricular dysplasia 11. Also called: Arrhythmogenic right ventricular dysplasia 11 with mild palmoplantar keratoderma and woolly hair; Arrhythmogenic Right Ventricular Dysplasia/Cardiomyopathy11; ARRHYTHMOGENIC RIGHT VENTRICULAR DYSPLASIA, FAMILIAL, 11. Identifiers: MedGen C1864850, MONDO:0012506, OMIM 610476.

Submission:

Labcorp Genetics (formerly Invitae), Labcorp
Classification: Pathogenic for Arrhythmogenic right ventricular dysplasia 11. Last evaluated: 2021-07-16. Review status: criteria provided, single submitter. Criteria: Invitae Variant Classification Sherloc (09022015). Collection method: clinical testing. Allele origin: germline.
Comment: For these reasons, this variant has been classified as Pathogenic. This variant has not been reported in the literature in individuals affected with DSC2-related conditions. This variant is not present in population databases (ExAC no frequency). This sequence change creates a premature translational stop signal (p.Thr713Tyrfs*11) in the DSC2 gene. It is expected to result in an absent or disrupted protein product. Loss-of-function variants in DSC2 are known to be pathogenic (PMID: 23911551).

Literature cited by the submitters: PubMed 23911551.